The following is an entry in ClinVar:

ClinVar aggregate classification (germline): Uncertain significance (1 of 4 stars; one submission).

Conditions:
Neuropathy, hereditary sensory, type 1F. Also called: HSN IF; Hereditary sensory neuropathy type IF. Identifiers: Orphanet 36386, MedGen C3810194, MONDO:0014286, OMIM 615632.

Allele frequency attached by ClinVar (database versions not stated): gnomAD exomes 0.00001; gnomAD 0.00001; TOPMed 0.00001.
gnomAD v4.1: 7 of 1,602,136 alleles (0.00044%); highest among the groups gnomAD compares: South Asian, 0.0011%; no homozygotes.

Submission:

Labcorp Genetics (formerly Invitae), Labcorp
Classification: Uncertain significance for Neuropathy, hereditary sensory, type 1F. Last evaluated: 2019-06-28. Review status: criteria provided, single submitter. Criteria: Invitae Variant Classification Sherloc (09022015). Collection method: clinical testing. Allele origin: germline.
Comment: This sequence change replaces arginine with cysteine at codon 235 of the ATL3 protein (p.Arg235Cys). The arginine residue is highly conserved and there is a large physicochemical difference between arginine and cysteine. This variant is not present in population databases (ExAC no frequency). In summary, the available evidence is currently insufficient to determine the role of this variant in disease. Therefore, it has been classified as a Variant of Uncertain Significance. Algorithms developed to predict the effect of missense changes on protein structure and function (SIFT, PolyPhen-2, Align-GVGD) all suggest that this variant is likely to be disruptive, but these predictions have not been confirmed by published functional studies and their clinical significance is uncertain. This variant has not been reported in the literature in individuals with ATL3-related disease.

NM_015459.5(ATL3):c.703C>T (p.Arg235Cys)

Genes: ATL3 (atlastin GTPase 3; minus strand), LNCROPM (lncRNA regulator of PLAAT3 mediated phospholipid metabolism; plus strand). Cytogenetic location: 11q13.1.
Variant type: single nucleotide variant.
Coding change: c.703C>T on transcript NM_015459.5 (MANE Select); coding-DNA position 703, C replaced by T.
Protein change: p.Arg235Cys; replaces arginine 235 with cysteine.
Molecular consequence: missense variant.
Genome position (GRCh38, 1-based): chr11:63,644,177, G>A on the plus strand (C>T on the coding strand, the complement: ATL3 is on the minus strand). VCF-style: chr11-63644177-G-A. GRCh37 (hg19) VCF-style: chr11-63411649-G-A.
Other names: c.649C>T, p.Arg217Cys (NM_001290048.2); short protein forms R217C, R235C.
Identifiers: ClinVar variation 541679 (VCV000541679.10), dbSNP rs913464202, ClinGen allele CA223746588.